The following is an entry in ClinVar:

ClinVar aggregate classification (germline): Uncertain significance. Review status: criteria provided, multiple submitters, no conflicts (2 of 4 stars). 2 submissions from 2 submitters: Uncertain significance (2). Last evaluated 2025-08-03.

Conditions:
TSHZ1-related disorder. Also called: TSHZ1-related condition.

Allele frequency attached by ClinVar (database versions not stated): gnomAD 0.00003; TOPMed 0.00006; gnomAD exomes 0.00007; ExAC 0.00010; ESP Exome Variant Server 0.00015.
gnomAD v4.1: 113 of 1,614,008 alleles (0.007%); highest among the groups gnomAD compares: Non-Finnish European, 0.0088%; no homozygotes.

Submissions (2):

Ambry Genetics
Classification: Uncertain significance. Last evaluated: 2025-08-03. Review status: criteria provided, single submitter. Criteria: Ambry Variant Classification Scheme 2023. Collection method: clinical testing. Allele origin: germline.

PreventionGenetics, part of Exact Sciences
Classification: Uncertain significance for TSHZ1-related condition. Last evaluated: 2022-11-03. Review status: criteria provided, single submitter. Criteria: ACMG Guidelines, 2015. Collection method: clinical testing. Allele origin: germline.
Comment: The TSHZ1 c.1391T>A variant is predicted to result in the amino acid substitution p.Val464Glu. To our knowledge, this variant has not been reported in the literature. This variant is reported in 0.013% of alleles in individuals of European (Non-Finnish) descent in gnomAD. Although we suspect that this variant may be benign, at this time, the clinical significance of this variant is uncertain due to the absence of conclusive functional and genetic evidence.

NM_001308210.2(TSHZ1):c.1526T>A (p.Val509Glu)

Genes: TSHZ1 (teashirt zinc finger homeobox 1; plus strand), LOC125371439 (Sharpr-MPRA regulatory region 9768; plus strand). Cytogenetic location: 18q22.3.
Variant type: single nucleotide variant.
Coding change: c.1526T>A on transcript NM_001308210.2 (MANE Select); coding-DNA position 1526, T replaced by A.
Protein change: p.Val509Glu; replaces valine 509 with glutamic acid.
Molecular consequence: missense variant.
Genome position (GRCh38, 1-based): chr18:75,286,933, T>A. VCF-style: chr18-75286933-T-A. GRCh37 (hg19) VCF-style: chr18-72998888-T-A.
Other names: c.1391T>A (NM_005786.5); c.1391T>A, p.Val464Glu (NM_005786.6); short protein forms V464E, V509E.
Identifiers: ClinVar variation 2602111 (VCV002602111.4), dbSNP rs374017862, ClinGen allele CA9002057.